The following is an entry in ClinVar:

NM_000484.4(APP):c.1369C>T (p.His457Tyr)

Gene: APP (amyloid beta precursor protein; minus strand). Cytogenetic location: 21q21.3.
Variant type: single nucleotide variant.
Coding change: c.1369C>T on transcript NM_000484.4 (MANE Select); coding-DNA position 1369, C replaced by T.
Protein change: p.His457Tyr; replaces histidine 457 with tyrosine.
Molecular consequence: missense variant.
Genome position (GRCh38, 1-based): chr21:25,975,159, G>A on the plus strand (C>T on the coding strand, the complement: APP is on the minus strand). VCF-style: chr21-25975159-G-A. GRCh37 (hg19) VCF-style: chr21-27347472-G-A.
Other names: c.1297C>T, p.His433Tyr (NM_001136016.3); c.976C>T, p.His326Tyr (NM_001136129.3); c.1201C>T, p.His401Tyr (NM_001136130.3, NM_001385253.1); c.1039C>T, p.His347Tyr (NM_001136131.3); c.1369C>T, p.His457Tyr (NM_001204301.2); c.1312C>T, p.His438Tyr (NM_001204302.2, NM_201413.3); c.1144C>T, p.His382Tyr (NM_001204303.2, NM_201414.3); short protein forms H326Y, H382Y, H401Y, H433Y, H457Y, H438Y, H347Y.
Identifiers: ClinVar variation 2992926 (VCV002992926.3), dbSNP rs1297719265, ClinGen allele CA409809584.

ClinVar aggregate classification (germline): Uncertain significance (1 of 4 stars; one submission).

Conditions:
Alzheimer disease. Also called: Presenile and senile dementia; Alzheimer's disease. Identifiers: Orphanet 1020, MedGen C0002395, MeSH D000544, MONDO:0004975, HP:0002511.

Allele frequency attached by ClinVar (database versions not stated): gnomAD exomes below 0.00001.
gnomAD v4.1: 1 of 1,614,066 alleles (0.000062%); highest among the groups gnomAD compares: Admixed American, 0.0017%; no homozygotes.

Submission:

Labcorp Genetics (formerly Invitae), Labcorp
Classification: Uncertain significance for Alzheimer disease. Last evaluated: 2023-08-21. Review status: criteria provided, single submitter. Criteria: Invitae Variant Classification Sherloc (09022015). Collection method: clinical testing. Allele origin: germline.
Comment: In summary, the available evidence is currently insufficient to determine the role of this variant in disease. Therefore, it has been classified as a Variant of Uncertain Significance. Advanced modeling of protein sequence and biophysical properties (such as structural, functional, and spatial information, amino acid conservation, physicochemical variation, residue mobility, and thermodynamic stability) performed at Invitae indicates that this missense variant is not expected to disrupt APP protein function. This variant has not been reported in the literature in individuals affected with APP-related conditions. This variant is present in population databases (no rsID available, gnomAD 0.003%). This sequence change replaces histidine, which is basic and polar, with tyrosine, which is neutral and polar, at codon 457 of the APP protein (p.His457Tyr).